The following is an entry in ClinVar:

NM_005751.5(AKAP9):c.2567A>G (p.Asn856Ser)

Gene: AKAP9 (A-kinase anchoring protein 9; plus strand). Cytogenetic location: 7q21.2.
Variant type: single nucleotide variant.
Coding change: c.2567A>G on transcript NM_005751.5 (MANE Select); coding-DNA position 2567, A replaced by G.
Protein change: p.Asn856Ser; replaces asparagine 856 with serine.
Molecular consequence: missense variant.
Genome position (GRCh38, 1-based): chr7:92,002,484, A>G. VCF-style: chr7-92002484-A-G. GRCh37 (hg19) VCF-style: chr7-91631798-A-G.
Other names: c.2567A>G, p.Asn856Ser (NM_147185.3); short protein forms N856S.
Identifiers: ClinVar variation 2978836 (VCV002978836.3), dbSNP rs1283444068, ClinGen allele CA368124420.

ClinVar aggregate classification (germline): Uncertain significance (1 of 4 stars; one submission).

Conditions:
Long QT syndrome (LQTS). Identifiers: MedGen C0023976, MeSH D008133, MONDO:0002442. Disease mechanism: loss of function. Inheritance: Various modes of inheritance.

Allele frequency attached by ClinVar (database versions not stated): TOPMed 0.00001; gnomAD exomes 0.00001; gnomAD 0.00001.
gnomAD v4.1: 11 of 1,611,364 alleles (0.00068%); highest among the groups gnomAD compares: Non-Finnish European, 0.00085%; no homozygotes.

Submission:

Labcorp Genetics (formerly Invitae), Labcorp
Classification: Uncertain significance for Long QT syndrome. Last evaluated: 2025-08-12. Review status: criteria provided, single submitter. Criteria: Invitae Variant Classification Sherloc (09022015). Collection method: clinical testing. Allele origin: germline.
Comment: This sequence change replaces asparagine, which is neutral and polar, with serine, which is neutral and polar, at codon 856 of the AKAP9 protein (p.Asn856Ser). This variant is present in population databases (no rsID available, gnomAD 0.002%). This variant has not been reported in the literature in individuals affected with AKAP9-related conditions. ClinVar contains an entry for this variant (Variation ID: 2978836). An algorithm developed to predict the effect of missense changes on protein structure and function (PolyPhen-2) suggests that this variant is likely to be disruptive. In summary, the available evidence is currently insufficient to determine the role of this variant in disease. Therefore, it has been classified as a Variant of Uncertain Significance.